The following is an entry in ClinVar:

ClinVar aggregate classification (germline): Uncertain significance (1 of 4 stars; one submission).

Submission:

Ambry Genetics
Classification: Uncertain significance. Last evaluated: 2025-08-30. Review status: criteria provided, single submitter. Criteria: Ambry Variant Classification Scheme 2023. Collection method: clinical testing. Allele origin: germline.
Comment: The p.D536N variant (also known as c.1606G>A), located in coding exon 9 of the PALLD gene, results from a G to A substitution at nucleotide position 1606. The aspartic acid at codon 536 is replaced by asparagine, an amino acid with highly similar properties. This amino acid position is conserved. In addition, this alteration is predicted to be tolerated by in silico analysis. Based on the available evidence, the clinical significance of this variant remains unclear.

NM_001166108.2(PALLD):c.3118G>A (p.Asp1040Asn)

Genes: CBR4 (carbonyl reductase 4; minus strand), PALLD (palladin, cytoskeletal associated protein; plus strand). Cytogenetic location: 4q32.3.
Variant type: single nucleotide variant.
Coding change: c.3118G>A on transcript NM_001166108.2 (MANE Select); coding-DNA position 3118, G replaced by A.
Protein change: p.Asp1040Asn; replaces aspartic acid 1040 with asparagine.
Molecular consequence: missense variant.
Genome position (GRCh38, 1-based): chr4:168,924,314, G>A. VCF-style: chr4-168924314-G-A. GRCh37 (hg19) VCF-style: chr4-169845465-G-A.
Other names: c.1921G>A, p.Asp641Asn (NM_001166109.2); c.1606G>A, p.Asp536Asn (NM_001166110.2); c.946G>A, p.Asp316Asn (NM_001367567.1, NM_001367569.1); c.997G>A, p.Asp333Asn (NM_001367568.1, NM_001367570.1); c.3067G>A, p.Asp1023Asn (NM_016081.4); short protein forms D641N, D536N, D1023N, D333N, D1040N, D316N.
Identifiers: ClinVar variation 4130451 (VCV004130451.1).